The following is an entry in ClinVar:

NM_000706.5(AVPR1A):c.408T>C (p.Phe136=)

Gene: AVPR1A (arginine vasopressin receptor 1A; minus strand). Cytogenetic location: 12q14.2.
Variant type: single nucleotide variant.
Coding change: c.408T>C on transcript NM_000706.5 (MANE Select); coding-DNA position 408, T replaced by C.
Protein change: p.Phe136=; no amino-acid change (phenylalanine 136 retained).
Molecular consequence: synonymous variant.
Genome position (GRCh38, 1-based): chr12:63,150,429, A>G on the plus strand (T>C on the coding strand, the complement: AVPR1A is on the minus strand). VCF-style: chr12-63150429-A-G. GRCh37 (hg19) VCF-style: chr12-63544209-A-G.
Identifiers: ClinVar variation 3060712 (VCV003060712.2), dbSNP rs1042615, ClinGen allele CA6665102.

ClinVar aggregate classification (germline): Benign (0 of 4 stars; one submission).

Conditions:
AVPR1A-related disorder. Also called: AVPR1A-related condition.

Allele frequency attached by ClinVar (database versions not stated): 1000 Genomes Project 0.65076; 1000 Genomes Project 30x 0.65319; TOPMed 0.65745; ESP Exome Variant Server 0.66236.
gnomAD v4.1: 947,639 of 1,612,908 alleles (59%); highest among the groups gnomAD compares: African/African-American, 83%; 282,406 homozygotes.

Submission:

PreventionGenetics, part of Exact Sciences
Classification: Benign for AVPR1A-related condition. Last evaluated: 2022-02-22. Review status: no assertion criteria provided. Collection method: clinical testing. Allele origin: germline.
Comment: This variant is classified as benign based on ACMG/AMP sequence variant interpretation guidelines (Richards et al. 2015 PMID: 25741868, with internal and published modifications).